The following is an entry in ClinVar:

ClinVar aggregate classification (germline): Uncertain significance (1 of 4 stars; one submission).

gnomAD v4.1: 74 of 1,535,092 alleles (0.0048%); highest among the groups gnomAD compares: East Asian, 0.16%; no homozygotes.

Submission:

CeGaT Center for Human Genetics Tuebingen
Classification: Uncertain significance. Last evaluated: 2025-08-01. Review status: criteria provided, single submitter. Criteria: CeGaT Center For Human Genetics Tuebingen Variant Classification Criteria Version 2. Collection method: clinical testing. Allele origin: germline. Affected: yes. Observed: 1 variant allele.
Comment: FSIP2: PM3:Strong, PM2, BP4

NM_173651.4(FSIP2):c.1750T>A (p.Cys584Ser)

Genes: FSIP2 (fibrous sheath interacting protein 2; plus strand), FSIP2-AS1 (FSIP2 antisense RNA 1; minus strand). Cytogenetic location: 2q32.1.
Variant type: single nucleotide variant.
Coding change: c.1750T>A on transcript NM_173651.4 (MANE Select); coding-DNA position 1750, T replaced by A.
Protein change: p.Cys584Ser; replaces cysteine 584 with serine.
Molecular consequence: missense variant. On other transcripts: non-coding transcript variant (2).
Genome position (GRCh38, 1-based): chr2:185,788,886, T>A. VCF-style: chr2-185788886-T-A. GRCh37 (hg19) VCF-style: chr2-186653613-T-A.
Other names: short protein forms C584S.
Identifiers: ClinVar variation 4084610 (VCV004084610.8).